The following is an entry in ClinVar:

NM_002633.3(PGM1):c.425C>T (p.Ala142Val)

Gene: PGM1 (phosphoglucomutase 1; plus strand). Cytogenetic location: 1p31.3.
Variant type: single nucleotide variant.
Coding change: c.425C>T on transcript NM_002633.3 (MANE Select); coding-DNA position 425, C replaced by T.
Protein change: p.Ala142Val; replaces alanine 142 with valine.
Molecular consequence: missense variant. On other transcripts: 5 prime UTR variant (1).
Genome position (GRCh38, 1-based): chr1:63,629,957, C>T. VCF-style: chr1-63629957-C-T. GRCh37 (hg19) VCF-style: chr1-64095628-C-T.
Other names: c.479C>T, p.Ala160Val (NM_001172818.1); c.-167C>T (NM_001172819.2); short protein forms A142V, A160V.
Identifiers: ClinVar variation 1374308 (VCV001374308.3), dbSNP rs1276461747, ClinGen allele CA340646699.
Genomic context (GRCh38, chr1:63,629,957, plus strand): 5'-TGTGAGCTGCACGAAGTAACCCACTGTTTGCTGTTTGGTTTCCAGGTCCTGCTCCAGAAG[C>T]AATAACTGATAAAATTTTCCAAATCAGCAAGACAATTGAAGAATATGCAGTTTGCCCTGA-3'
Protein context (NP_002624.2, residues 132-152): NISNGGPAPE[Ala142Val]ITDKIFQISK

ClinVar aggregate classification (germline): Uncertain significance (1 of 4 stars; one submission).

Conditions:
PGM1-congenital disorder of glycosylation. Also called: GSD XIV; CDG It; PHOSPHOGLUCOMUTASE 1 DEFICIENCY; PGM1 DEFICIENCY; GLYCOGEN STORAGE DISEASE XIV; Congenital disorder of glycosylation type 1t. Identifiers: Orphanet 319646, MedGen C2752015, MONDO:0013968, OMIM 614921.

Allele frequency attached by ClinVar (database versions not stated): gnomAD exomes below 0.00001; TOPMed below 0.00001; gnomAD 0.00001.
gnomAD v4.1: 6 of 1,613,884 alleles (0.00037%); highest among the groups gnomAD compares: African/African-American, 0.0027%; no homozygotes.

Submission:

Labcorp Genetics (formerly Invitae), Labcorp
Classification: Uncertain significance for PGM1-congenital disorder of glycosylation. Last evaluated: 2022-08-16. Review status: criteria provided, single submitter. Criteria: Invitae Variant Classification Sherloc (09022015). Collection method: clinical testing. Allele origin: germline.
Comment: This sequence change replaces alanine, which is neutral and non-polar, with valine, which is neutral and non-polar, at codon 142 of the PGM1 protein (p.Ala142Val). This variant is not present in population databases (gnomAD no frequency). This variant has not been reported in the literature in individuals affected with PGM1-related conditions. ClinVar contains an entry for this variant (Variation ID: 1374308). Algorithms developed to predict the effect of missense changes on protein structure and function output the following: SIFT: "Deleterious"; PolyPhen-2: "Benign"; Align-GVGD: "Class C0". The valine amino acid residue is found in multiple mammalian species, which suggests that this missense change does not adversely affect protein function. Algorithms developed to predict the effect of sequence changes on RNA splicing suggest that this variant may create or strengthen a splice site. In summary, the available evidence is currently insufficient to determine the role of this variant in disease. Therefore, it has been classified as a Variant of Uncertain Significance.